The following is an entry in ClinVar:

ClinVar aggregate classification (germline): Uncertain significance (1 of 4 stars; one submission).

Conditions:
Tuberous sclerosis 1 (TSC1). Identifiers: Orphanet 805, MedGen C1854465, MONDO:0008612, OMIM 191100.

Submission:

Labcorp Genetics (formerly Invitae), Labcorp
Classification: Uncertain significance for Tuberous sclerosis 1. Last evaluated: 2023-02-15. Review status: criteria provided, single submitter. Criteria: Invitae Variant Classification Sherloc (09022015). Collection method: clinical testing. Allele origin: germline.
Comment: In summary, the available evidence is currently insufficient to determine the role of this variant in disease. Therefore, it has been classified as a Variant of Uncertain Significance. This sequence change replaces leucine, which is neutral and non-polar, with proline, which is neutral and non-polar, at codon 855 of the TSC1 protein (p.Leu855Pro). This variant is not present in population databases (gnomAD no frequency). This variant has not been reported in the literature in individuals affected with TSC1-related conditions. ClinVar contains an entry for this variant (Variation ID: 967540). Advanced modeling of protein sequence and biophysical properties (such as structural, functional, and spatial information, amino acid conservation, physicochemical variation, residue mobility, and thermodynamic stability) has been performed at Invitae for this missense variant, however the output from this modeling did not meet the statistical confidence thresholds required to predict the impact of this variant on TSC1 protein function.

NM_000368.5(TSC1):c.2564T>C (p.Leu855Pro)

Gene: TSC1 (TSC complex subunit 1; minus strand). Cytogenetic location: 9q34.13.
Variant type: single nucleotide variant.
Coding change: c.2564T>C on transcript NM_000368.5 (MANE Select); coding-DNA position 2564, T replaced by C.
Protein change: p.Leu855Pro; replaces leucine 855 with proline.
Molecular consequence: missense variant.
Genome position (GRCh38, 1-based): chr9:132,900,776, A>G on the plus strand (T>C on the coding strand, the complement: TSC1 is on the minus strand). VCF-style: chr9-132900776-A-G. GRCh37 (hg19) VCF-style: chr9-135776163-A-G.
Other names: c.2201T>C, p.Leu734Pro (NM_001362177.2); c.2561T>C, p.Leu854Pro (NM_001162426.2); c.2411T>C, p.Leu804Pro (NM_001162427.2); short protein forms L804P, L734P, L854P, L855P.
Identifiers: ClinVar variation 967540 (VCV000967540.7), dbSNP rs1845331236, ClinGen allele CA375370091.